The following is an entry in ClinVar:

NM_005559.4(LAMA1):c.665G>A (p.Arg222Gln)

Gene: LAMA1 (laminin subunit alpha 1; minus strand). Cytogenetic location: 18p11.31.
Variant type: single nucleotide variant.
Coding change: c.665G>A on transcript NM_005559.4 (MANE Select); coding-DNA position 665, G replaced by A.
Protein change: p.Arg222Gln; replaces arginine 222 with glutamine.
Molecular consequence: missense variant.
Genome position (GRCh38, 1-based): chr18:7,049,181, C>T on the plus strand (G>A on the coding strand, the complement: LAMA1 is on the minus strand). VCF-style: chr18-7049181-C-T. GRCh37 (hg19) VCF-style: chr18-7049180-C-T.
Other names: short protein forms R222Q.
Identifiers: ClinVar variation 780473 (VCV000780473.18), dbSNP rs112194576, ClinGen allele CA8883229.

ClinVar aggregate classification (germline): Benign/Likely benign. Review status: criteria provided, multiple submitters, no conflicts (2 of 4 stars). 6 submissions from 6 submitters: Benign (2); Likely benign (3). 1 of the submissions does not count toward it. Last evaluated 2026-02-01.

Conditions:
LAMA1-related disorder. Also called: LAMA1-related condition; LAMA1-related disorders.
Inborn genetic diseases. Identifiers: MedGen C0950123, MeSH D030342.

Allele frequency attached by ClinVar (database versions not stated): gnomAD exomes 0.00045 and 0.00087; ExAC 0.00082; 1000 Genomes Project 0.00100; gnomAD 0.00136 and 0.00142; TOPMed 0.00140; 1000 Genomes Project 30x 0.00172; ESP Exome Variant Server 0.00238.
gnomAD v4.1: 906 of 1,614,086 alleles (0.056%); highest among the groups gnomAD compares: African/African-American, 0.3%; 6 homozygotes.

Submissions (6):

CeGaT Center for Human Genetics Tuebingen
Classification: Likely benign. Last evaluated: 2026-02-01. Review status: criteria provided, single submitter. Criteria: CeGaT Center For Human Genetics Tuebingen Variant Classification Criteria Version 2. Collection method: clinical testing. Allele origin: germline. Affected: yes. Observed: 1 variant allele.
Comment: LAMA1: BS2

Labcorp Genetics (formerly Invitae), Labcorp
Classification: Benign. Last evaluated: 2025-12-08. Review status: criteria provided, single submitter. Criteria: Invitae Variant Classification Sherloc (09022015). Collection method: clinical testing. Allele origin: germline.

Blueprint Genetics
Classification: Likely benign. Last evaluated: 2024-10-11. Review status: criteria provided, single submitter. Criteria: ACMG Guidelines, 2015. Collection method: clinical testing. Allele origin: germline.

Ambry Genetics
Classification: Likely benign for Inborn genetic diseases. Last evaluated: 2022-03-27. Review status: criteria provided, single submitter. Criteria: Ambry Variant Classification Scheme 2023. Collection method: clinical testing. Allele origin: germline.

Breakthrough Genomics
Classification: Benign. Review status: criteria provided, single submitter. Criteria: ACMG Guidelines, 2015. Collection method: not provided. Allele origin: germline. Inheritance: Autosomal recessive inheritance. Affected: yes.

PreventionGenetics, part of Exact Sciences
Classification: Likely benign for LAMA1-related condition. Last evaluated: 2020-12-17. Review status: no assertion criteria provided. Collection method: clinical testing. Allele origin: germline. Not counted in ClinVar's aggregate classification.
Comment: This variant is classified as likely benign based on ACMG/AMP sequence variant interpretation guidelines (Richards et al. 2015 PMID: 25741868, with internal and published modifications).